The following is an entry in ClinVar:

ClinVar aggregate classification (germline): Uncertain significance (1 of 4 stars; one submission).

Conditions:
Hereditary cancer-predisposing syndrome. Also called: Hereditary Cancer Syndrome; Hereditary neoplastic syndrome; Neoplastic Syndromes, Hereditary; Tumor predisposition. Identifiers: Orphanet 140162, MedGen C0027672, MeSH D009386, MONDO:0015356.

Submission:

Ambry Genetics
Classification: Uncertain significance for Hereditary cancer-predisposing syndrome. Last evaluated: 2020-03-19. Review status: criteria provided, single submitter. Criteria: Ambry Variant Classification Scheme 2023. Collection method: clinical testing. Allele origin: germline.
Comment: The p.L153V variant (also known as c.457C>G), located in coding exon 4 of the SDHAF2 gene, results from a C to G substitution at nucleotide position 457. The leucine at codon 153 is replaced by valine, an amino acid with highly similar properties. This amino acid position is highly conserved in available vertebrate species. In addition, the in silico prediction for this alteration is inconclusive. Since supporting evidence is limited at this time, the clinical significance of this alteration remains unclear.

NM_017841.4(SDHAF2):c.457C>G (p.Leu153Val)

Gene: SDHAF2 (succinate dehydrogenase complex assembly factor 2; plus strand). Cytogenetic location: 11q12.2.
Variant type: single nucleotide variant.
Coding change: c.457C>G on transcript NM_017841.4 (MANE Select); coding-DNA position 457, C replaced by G.
Protein change: p.Leu153Val; replaces leucine 153 with valine.
Molecular consequence: missense variant.
Genome position (GRCh38, 1-based): chr11:61,446,027, C>G. VCF-style: chr11-61446027-C-G. GRCh37 (hg19) VCF-style: chr11-61213499-C-G.
Other names: short protein forms L153V.
Identifiers: ClinVar variation 1741619 (VCV001741619.2), dbSNP rs1590769337, ClinGen allele CA380685453.